The following is an entry in ClinVar:

NM_007294.4(BRCA1):c.3307_3315del (p.Cys1103_His1105del)

Genes: BRCA1 (BRCA1 DNA repair associated; minus strand), LOC126862571 (BRD4-independent group 4 enhancer GRCh37_chr17:41243136-41244335; plus strand). Cytogenetic location: 17q21.31.
Variant type: Deletion.
Coding change: c.3307_3315del on transcript NM_007294.4 (MANE Select); coding-DNA positions 3307 to 3315, 9 bases deleted (TGTAAGCAT; older notation c.3307_3315delTGTAAGCAT).
Protein change: p.Cys1103_His1105del.
Molecular consequence: inframe deletion. On other transcripts: intron variant (137).
Genome position (GRCh38, 1-based): chr17:43,092,216-43,092,224, ATGCTTACA deleted on the plus strand (TGTAAGCAT on the coding strand, the reverse complement: BRCA1 is on the minus strand); deleting any 9 consecutive bases within chr17:43,092,216-43,092,226 gives the same sequence; the c. name uses the placement nearest the transcript's 3' end. VCF-style (leftmost placement, unchanged base first): chr17-43092215-GATGCTTACA-G. GRCh37 (hg19) VCF-style: chr17-41244232-GATGCTTACA-G.
Other names: c.3307_3315del, p.Cys1103_His1105del (NM_001407581.1, NM_001407582.1, NM_001407583.1 and 30 more transcripts); c.3304_3312del, p.Cys1102_His1104del (NM_001407587.1, NM_001407590.1, NM_001407591.1 and 22 more transcripts); c.3094_3102del, p.Cys1032_His1034del (NM_001407571.1, NM_001407853.1, NM_001407894.1 and 9 more transcripts); c.3229_3237del, p.Cys1077_His1079del (NM_001407653.1, NM_001407654.1, NM_001407655.1 and 4 more transcripts); c.3226_3234del, p.Cys1076_His1078del (NM_001407659.1, NM_001407660.1, NM_001407661.1 and 1 more transcripts); c.3184_3192del, p.Cys1062_His1064del (NM_001407664.1, NM_001407665.1, NM_001407666.1 and 19 more transcripts); c.3181_3189del, p.Cys1061_His1063del (NM_001407670.1, NM_001407671.1, NM_001407672.1 and 11 more transcripts); c.3166_3174del, p.Cys1056_His1058del (NM_001407692.1, NM_001407694.1, NM_001407695.1 and 29 more transcripts); and 42 more.
Identifiers: ClinVar variation 2110696 (VCV002110696.6), dbSNP rs2552154549, ClinGen allele CA2580093867.

ClinVar aggregate classification (germline): Uncertain significance. Review status: criteria provided, multiple submitters, no conflicts (2 of 4 stars). 2 submissions from 2 submitters: Uncertain significance (2). Last evaluated 2023-04-14.

Conditions:
Hereditary cancer-predisposing syndrome. Also called: Neoplastic Syndromes, Hereditary; Hereditary Cancer Syndrome; Hereditary neoplastic syndrome; Tumor predisposition. Identifiers: Orphanet 140162, MedGen C0027672, MeSH D009386, MONDO:0015356.
Hereditary breast ovarian cancer syndrome. Also called: Hereditary breast and ovarian cancer syndrome; BRCA1- and BRCA2-Associated Hereditary Breast and Ovarian Cancer; Hereditary breast and ovarian cancer; Hereditary breast and/or ovarian cancer syndrome; Hereditary breast and ovarian cancer syndrome (HBOC); Breast and ovarian cancer. Identifiers: Orphanet 145, MedGen C0677776, MeSH D061325, MONDO:0003582. Disease mechanism: loss of function.

Submissions (2):

Ambry Genetics
Classification: Uncertain significance for Hereditary cancer-predisposing syndrome. Last evaluated: 2023-04-14. Review status: criteria provided, single submitter. Criteria: Ambry Variant Classification Scheme 2023. Collection method: clinical testing. Allele origin: germline.
Comment: The c.3307_3315delTGTAAGCAT variant (also known as p.C1103_H1105del) is located in coding exon 9 of the BRCA1 gene. This variant results from an in-frame TGTAAGCAT deletion at nucleotide positions 3307 to 3315. This results in the in-frame deletion of 3 amino acids (CKH) at codons 1103 to 1105. These amino acid positions are not well conserved in available vertebrate species. In addition, this alteration is predicted to be deleterious by in silico analysis (Choi Y et al. PLoS ONE. 2012; 7(10):e46688). Since supporting evidence is limited at this time, the clinical significance of this alteration remains unclear.

Labcorp Genetics (formerly Invitae), Labcorp
Classification: Uncertain significance for Hereditary breast ovarian cancer syndrome. Last evaluated: 2022-03-14. Review status: criteria provided, single submitter. Criteria: Invitae Variant Classification Sherloc (09022015). Collection method: clinical testing. Allele origin: germline.
Comment: This variant has not been reported in the literature in individuals affected with BRCA1-related conditions. This variant is not present in population databases (gnomAD no frequency). This variant, c.3307_3315del, results in the deletion of 3 amino acid(s) of the BRCA1 protein (p.Cys1103_His1105del), but otherwise preserves the integrity of the reading frame. In summary, the available evidence is currently insufficient to determine the role of this variant in disease. Therefore, it has been classified as a Variant of Uncertain Significance. Experimental studies and prediction algorithms are not available or were not evaluated, and the functional significance of this variant is currently unknown.